The following is an entry in ClinVar:

ClinVar aggregate classification (germline): Uncertain significance (1 of 4 stars; one submission).

Conditions:
Familial thoracic aortic aneurysm and aortic dissection (TAAD). Also called: Thoracic aortic aneurysms and dissections. Identifiers: Orphanet 91387, MedGen C4707243, MONDO:0019625.

Submission:

Color Diagnostics, LLC DBA Color Health
Classification: Uncertain significance for Familial thoracic aortic aneurysm and aortic dissection. Last evaluated: 2022-03-29. Review status: criteria provided, single submitter. Criteria: ACMG Guidelines, 2015. Collection method: clinical testing. Allele origin: germline.
Comment: This missense variant replaces glycine with serine at codon 782 of the COL3A1 protein. Computational prediction suggests that this variant may not impact protein structure and function (internally defined REVEL score threshold <= 0.5, PMID: 27666373). To our knowledge, functional studies have not been reported for this variant. This variant has not been reported in individuals affected with cardiovascular disorders in the literature. This variant has not been identified in the general population by the Genome Aggregation Database (gnomAD). The available evidence is insufficient to determine the role of this variant in disease conclusively. Therefore, this variant is classified as a Variant of Uncertain Significance.

NM_000090.4(COL3A1):c.2344G>A (p.Gly782Ser)

Genes: COL3A1 (collagen type III alpha 1 chain; plus strand), LOC126806446 (P300/CBP strongly-dependent group 1 enhancer GRCh37_chr2:189866210-189867409; plus strand). Cytogenetic location: 2q32.2.
Variant type: single nucleotide variant.
Coding change: c.2344G>A on transcript NM_000090.4 (MANE Select); coding-DNA position 2344, G replaced by A.
Protein change: p.Gly782Ser; replaces glycine 782 with serine.
Molecular consequence: missense variant.
Genome position (GRCh38, 1-based): chr2:189,001,542, G>A. VCF-style: chr2-189001542-G-A. GRCh37 (hg19) VCF-style: chr2-189866268-G-A.
Other names: short protein forms G782S.
Identifiers: ClinVar variation 2775122 (VCV002775122.2), dbSNP rs2469148006, ClinGen allele CA349842469.